The following is an entry in ClinVar:

ClinVar aggregate classification (germline): Uncertain significance. Review status: criteria provided, multiple submitters, no conflicts (2 of 4 stars). 2 submissions from 2 submitters: Uncertain significance (2). Last evaluated 2025-08-21.

Conditions:
Hypertrophic cardiomyopathy. Also called: HYPERTROPHIC MYOCARDIOPATHY. Identifiers: Orphanet 217569, MedGen C0007194, MeSH D002312, MONDO:0005045, HP:0001639.

Allele frequency attached by ClinVar (database versions not stated): gnomAD 0.00002; TOPMed 0.00005.
gnomAD v4.1: 48 of 1,613,720 alleles (0.003%); highest among the groups gnomAD compares: East Asian, 0.0089%; no homozygotes.

Submissions (2):

Labcorp Genetics (formerly Invitae), Labcorp
Classification: Uncertain significance for Hypertrophic cardiomyopathy. Last evaluated: 2025-08-21. Review status: criteria provided, single submitter. Criteria: Invitae Variant Classification Sherloc (09022015). Collection method: clinical testing. Allele origin: germline.
Comment: This sequence change replaces glutamic acid, which is acidic and polar, with lysine, which is basic and polar, at codon 1610 of the MYOM1 protein (p.Glu1610Lys). This variant is present in population databases (rs369026745, gnomAD 0.02%). This variant has not been reported in the literature in individuals affected with MYOM1-related conditions. ClinVar contains an entry for this variant (Variation ID: 1023960). Invitae Evidence Modeling of protein sequence and biophysical properties (such as structural, functional, and spatial information, amino acid conservation, physicochemical variation, residue mobility, and thermodynamic stability) has been performed for this missense variant. However, the output from this modeling did not meet the statistical confidence thresholds required to predict the impact of this variant on MYOM1 protein function. In summary, the available evidence is currently insufficient to determine the role of this variant in disease. Therefore, it has been classified as a Variant of Uncertain Significance.

Ambry Genetics
Classification: Uncertain significance. Last evaluated: 2025-01-16. Review status: criteria provided, single submitter. Criteria: Ambry Variant Classification Scheme 2023. Collection method: clinical testing. Allele origin: germline.

NM_003803.4(MYOM1):c.4828G>A (p.Glu1610Lys)

Gene: MYOM1 (myomesin 1; minus strand). Cytogenetic location: 18p11.31.
Variant type: single nucleotide variant.
Coding change: c.4828G>A on transcript NM_003803.4 (MANE Select); coding-DNA position 4828, G replaced by A.
Protein change: p.Glu1610Lys; replaces glutamic acid 1610 with lysine.
Molecular consequence: missense variant.
Genome position (GRCh38, 1-based): chr18:3,067,492, C>T on the plus strand (G>A on the coding strand, the complement: MYOM1 is on the minus strand). VCF-style: chr18-3067492-C-T. GRCh37 (hg19) VCF-style: chr18-3067490-C-T.
Other names: c.4540G>A, p.Glu1514Lys (NM_019856.2); c.4828G>A (NM_003803.3); short protein forms E1514K, E1610K.
Identifiers: ClinVar variation 1023960 (VCV001023960.9), dbSNP rs369026745, ClinGen allele CA8873749.
Genomic context (GRCh38, chr18:3,067,492, plus strand): 5'-ACGCGGTCCTCCCAGCCTCGAACTTGAGGTTGCAGTGGTCGTCTGAGGCCAGGGCCTTCT[C>T]GTTCTTCAACCACGACACCTCCGGAGGCGGGTCTCCCCACACGTTGCAAGTGAGATTAAG-3'
Protein context (NP_003794.3, residues 1600-1620): PPPEVSWLKN[Glu1610Lys]KALASDDHCN